The following is an entry in ClinVar:

NM_000479.5(AMH):c.325C>T (p.Gln109Ter)

Gene: AMH (anti-Mullerian hormone; plus strand). Cytogenetic location: 19p13.3.
Variant type: single nucleotide variant.
Coding change: c.325C>T on transcript NM_000479.5 (MANE Select); coding-DNA position 325, C replaced by T.
Protein change: p.Gln109Ter; replaces glutamine 109 with a stop codon.
Molecular consequence: nonsense.
Genome position (GRCh38, 1-based): chr19:2,249,657, C>T. VCF-style: chr19-2249657-C-T. GRCh37 (hg19) VCF-style: chr19-2249656-C-T.
Other names: short protein forms Q109*.
Identifiers: ClinVar variation 5002448 (VCV005002448.1).

ClinVar aggregate classification (germline): Likely pathogenic (1 of 4 stars; one submission).

Conditions:
AMH-related disorder. Also called: AMH-related condition.

Submission:

PreventionGenetics, part of Exact Sciences
Classification: Likely pathogenic for AMH-related condition. Last evaluated: 2024-10-19. Review status: criteria provided, single submitter. Criteria: ACMG Guidelines, 2015. Collection method: clinical testing. Allele origin: germline.
Comment: The AMH c.325C>T variant is predicted to result in premature protein termination (p.Gln109*). To our knowledge, this variant has not been reported in the literature. This variant is reported in 0.0049% of alleles in individuals of European (Non-Finnish) descent in gnomAD. Nonsense variants in AMH are expected to be pathogenic. This variant is interpreted as likely pathogenic.